The following is an entry in ClinVar:

ClinVar aggregate classification (germline): Uncertain significance. Review status: criteria provided, multiple submitters, no conflicts (2 of 4 stars). 4 submissions from 4 submitters: Uncertain significance (4). Last evaluated 2026-06-23.

Conditions:
Fanconi anemia (FA). Also called: Fanconi's anemia. Identifiers: Orphanet 84, MedGen C0015625, MeSH D005199, MONDO:0019391.
Fanconi anemia complementation group D2. Also called: FANCD2-Related Fanconi Anemia; FANCONI PANCYTOPENIA, TYPE 4; FANCONI ANEMIA, COMPLEMENTATION GROUP D. Identifiers: Orphanet 84, MedGen C3160738, MONDO:0009214, OMIM 227646.

Allele frequency attached by ClinVar (database versions not stated): gnomAD 0.00002; gnomAD exomes 0.00002 and 0.00006; TOPMed 0.00002; ExAC 0.00008.
gnomAD v4.1: 30 of 1,607,480 alleles (0.0019%); highest among the groups gnomAD compares: East Asian, 0.062%; no homozygotes.

Submissions (4):

Women's Health and Genetics/Laboratory Corporation of America, LabCorp
Classification: Uncertain significance. Last evaluated: 2026-06-23. Review status: criteria provided, single submitter. Criteria: LabCorp Variant Classification Summary - May 2015. Collection method: clinical testing. Allele origin: germline.
Comment: Variant summary: FANCD2 c.1766+3A>G alters a nucleotide located close to a canonical splice site and therefore could affect mRNA splicing, leading to a significantly altered protein sequence. Several computational tools predict a significant impact on normal splicing: Two predict the variant abolishes a 5' splicing donor site. Three predict the variant weakens a 5' donor site. However, these predictions have yet to be confirmed by functional studies. The variant allele was found at a frequency of 5.6e-05 in 251390 control chromosomes. This frequency is not significantly higher than estimated for disease-causing variants in FANCD2, allowing no conclusion about variant significance. c.1766+3A>G has been observed in a phenotypic and genotypic correlation study on pediatric patients with Fanconi anemia without further description of the variant carrier(s) (Chang_2023). These report(s) do not provide unequivocal conclusions about association of the variant with disease. To our knowledge, no experimental evidence demonstrating an impact on protein function has been reported. The following publication have been ascertained in the context of this evaluation (PMID: 36463940). ClinVar contains an entry for this variant (Variation ID: 1434314). Based on the evidence outlined above, the variant was classified as uncertain significance.

Labcorp Genetics (formerly Invitae), Labcorp
Classification: Uncertain significance for Fanconi anemia. Last evaluated: 2025-10-26. Review status: criteria provided, single submitter. Criteria: Invitae Variant Classification Sherloc (09022015). Collection method: clinical testing. Allele origin: germline.
Comment: This sequence change falls in intron 19 of the FANCD2 gene. It does not directly change the encoded amino acid sequence of the FANCD2 protein. It affects a nucleotide within the consensus splice site. This variant is present in population databases (rs758140679, gnomAD 0.08%). This variant has been observed in individual(s) with Fanconi anemia (PMID: 36463940). ClinVar contains an entry for this variant (Variation ID: 1434314). Variants that disrupt the consensus splice site are a relatively common cause of aberrant splicing (PMID: 17576681, 9536098). Algorithms developed to predict the effect of sequence changes on RNA splicing suggest that this variant may disrupt the consensus splice site. In summary, the available evidence is currently insufficient to determine the role of this variant in disease. Therefore, it has been classified as a Variant of Uncertain Significance.

Fulgent Genetics
Classification: Uncertain significance for Fanconi anemia complementation group D2. Last evaluated: 2022-01-10. Review status: criteria provided, single submitter. Criteria: ACMG Guidelines, 2015. Collection method: clinical testing. Allele origin: unknown.

Blueprint Genetics
Classification: Uncertain significance. Last evaluated: 2020-11-02. Review status: criteria provided, single submitter. Criteria: ACMG Guidelines, 2015. Collection method: clinical testing. Allele origin: germline.

Literature cited by the submitters: PubMed 36463940 (cited by Women's Health and Genetics/Laboratory Corporation of America, LabCorp and Labcorp Genetics (formerly Invitae), Labcorp); PubMed 17576681 (cited by Labcorp Genetics (formerly Invitae), Labcorp); PubMed 9536098 (cited by Labcorp Genetics (formerly Invitae), Labcorp).

NM_001018115.3(FANCD2):c.1766+3A>G

Genes: FANCD2 (FA complementation group D2; plus strand), LOC107303338 (3p25 FANCD2 Alu-mediated recombination region; plus strand). Cytogenetic location: 3p25.3.
Variant type: single nucleotide variant.
Coding change: c.1766+3A>G on transcript NM_001018115.3 (MANE Select); 3 bases into the intron after coding-DNA position 1766, A replaced by G.
Molecular consequence: intron variant.
Genome position (GRCh38, 1-based): chr3:10,060,406, A>G. VCF-style: chr3-10060406-A-G. GRCh37 (hg19) VCF-style: chr3-10102090-A-G.
Other names: c.1766+3A>G (NM_001319984.2, NM_033084.6, NM_001374254.1); c.1655+3A>G (NM_001374253.1).
Identifiers: ClinVar variation 1434314 (VCV001434314.8), dbSNP rs758140679, ClinGen allele CA2249776.
Genomic context (GRCh38, chr3:10,060,406, plus strand): 5'-ACAAGCTCATTGGGATTATTGGTGCTGTGACCATGGCTGGCATCATGGCGGCAGACAGGT[A>G]CACGTGGAGATTCTGACTTCTGTGGTTTAAGATCAGTTAATCTTGCTAACTAAGTGTTAC-3'